The following is an entry in ClinVar:

NM_017617.5(NOTCH1):c.6800A>G (p.Glu2267Gly)

Gene: NOTCH1 (notch receptor 1; minus strand). Cytogenetic location: 9q34.3.
Variant type: single nucleotide variant.
Coding change: c.6800A>G on transcript NM_017617.5 (MANE Select); coding-DNA position 6800, A replaced by G.
Protein change: p.Glu2267Gly; replaces glutamic acid 2267 with glycine.
Molecular consequence: missense variant.
Genome position (GRCh38, 1-based): chr9:136,496,939, T>C on the plus strand (A>G on the coding strand, the complement: NOTCH1 is on the minus strand). VCF-style: chr9-136496939-T-C. GRCh37 (hg19) VCF-style: chr9-139391391-T-C.
Other names: short protein forms E2267G.
Identifiers: ClinVar variation 2446555 (VCV002446555.1), dbSNP rs2133317163, ClinGen allele CA375630250.

ClinVar aggregate classification (germline): Uncertain significance (1 of 4 stars; one submission).

Submission:

GeneDx
Classification: Uncertain significance. Last evaluated: 2023-03-22. Review status: criteria provided, single submitter. Criteria: GeneDx Variant Classification Process June 2021. Collection method: clinical testing. Allele origin: germline. Affected: yes.
Comment: Has not been previously published as pathogenic or benign to our knowledge; Not observed in large population cohorts (gnomAD); In silico analysis supports that this missense variant does not alter protein structure/function